The following is an entry in ClinVar:

ClinVar aggregate classification (germline): Likely benign. Review status: criteria provided, multiple submitters, no conflicts (2 of 4 stars). 2 submissions from 2 submitters: Likely benign (2). Last evaluated 2025-09-15.

Conditions:
GRIN2D-related disorder. Also called: GRIN2D-related condition.

Submissions (2):

Labcorp Genetics (formerly Invitae), Labcorp
Classification: Likely benign. Last evaluated: 2025-09-15. Review status: criteria provided, single submitter. Criteria: Invitae Variant Classification Sherloc (09022015). Collection method: clinical testing. Allele origin: germline.

PreventionGenetics, part of Exact Sciences
Classification: Likely benign for GRIN2D-related condition. Last evaluated: 2024-11-25. Review status: criteria provided, single submitter. Criteria: ACMG Guidelines, 2015. Collection method: clinical testing. Allele origin: germline.
Comment: This variant is classified as likely benign based on ACMG/AMP sequence variant interpretation guidelines (Richards et al. 2015 PMID: 25741868, with internal and published modifications).

NM_000836.4(GRIN2D):c.3234C>G (p.Gly1078=)

Gene: GRIN2D (glutamate ionotropic receptor NMDA type subunit 2D; plus strand). Cytogenetic location: 19q13.33.
Variant type: single nucleotide variant.
Coding change: c.3234C>G on transcript NM_000836.4 (MANE Select); coding-DNA position 3234, C replaced by G.
Protein change: p.Gly1078=; no amino-acid change (glycine 1078 retained).
Molecular consequence: synonymous variant.
Genome position (GRCh38, 1-based): chr19:48,443,160, C>G. VCF-style: chr19-48443160-C-G. GRCh37 (hg19) VCF-style: chr19-48946417-C-G.
Other names: c.3234C>G (NM_000836.2).
Identifiers: ClinVar variation 4723942 (VCV004723942.2).